The following is an entry in ClinVar:

NM_006245.4(PPP2R5D):c.937C>T (p.Leu313=)

Gene: PPP2R5D (protein phosphatase 2 regulatory subunit B'delta; plus strand). Cytogenetic location: 6p21.1.
Variant type: single nucleotide variant.
Coding change: c.937C>T on transcript NM_006245.4 (MANE Select); coding-DNA position 937, C replaced by T.
Protein change: p.Leu313=; no amino-acid change (leucine 313 retained).
Molecular consequence: synonymous variant.
Genome position (GRCh38, 1-based): chr6:43,008,386, C>T. VCF-style: chr6-43008386-C-T. GRCh37 (hg19) VCF-style: chr6-42976124-C-T.
Other names: c.484C>T, p.Leu162= (NM_001270476.2); c.841C>T, p.Leu281= (NM_180976.3); c.619C>T, p.Leu207= (NM_180977.3).
Identifiers: ClinVar variation 3609279 (VCV003609279.11).

ClinVar aggregate classification (germline): Likely benign. Review status: criteria provided, multiple submitters, no conflicts (2 of 4 stars). 3 submissions from 3 submitters: Likely benign (3). Last evaluated 2025-07-01.

Submissions (3):

CeGaT Center for Human Genetics Tuebingen
Classification: Likely benign. Last evaluated: 2025-07-01. Review status: criteria provided, single submitter. Criteria: CeGaT Center For Human Genetics Tuebingen Variant Classification Criteria Version 2. Collection method: clinical testing. Allele origin: germline. Affected: yes. Observed: 1 variant allele.
Comment: PPP2R5D: BP4, BP7

Labcorp Genetics (formerly Invitae), Labcorp
Classification: Likely benign. Last evaluated: 2024-05-21. Review status: criteria provided, single submitter. Criteria: Invitae Variant Classification Sherloc (09022015). Collection method: clinical testing. Allele origin: germline.

Blueprint Genetics
Classification: Likely benign. Last evaluated: 2024-03-06. Review status: criteria provided, single submitter. Criteria: ACMG Guidelines, 2015. Collection method: clinical testing. Allele origin: germline.